The following is an entry in ClinVar:

NM_003803.4(MYOM1):c.771+3A>G

Gene: MYOM1 (myomesin 1; minus strand). Cytogenetic location: 18p11.31.
Variant type: single nucleotide variant.
Coding change: c.771+3A>G on transcript NM_003803.4 (MANE Select); 3 bases into the intron after coding-DNA position 771, A replaced by G.
Molecular consequence: intron variant.
Genome position (GRCh38, 1-based): chr18:3,188,745, T>C on the plus strand (A>G on the coding strand, the complement: MYOM1 is on the minus strand). VCF-style: chr18-3188745-T-C. GRCh37 (hg19) VCF-style: chr18-3188743-T-C.
Other names: c.771+3A>G (NM_019856.2).
Identifiers: ClinVar variation 1520559 (VCV001520559.6), dbSNP rs1191646290, ClinGen allele CA778441769.

ClinVar aggregate classification (germline): Uncertain significance (1 of 4 stars; one submission).

Conditions:
Hypertrophic cardiomyopathy. Also called: HYPERTROPHIC MYOCARDIOPATHY. Identifiers: Orphanet 217569, MedGen C0007194, MeSH D002312, MONDO:0005045, HP:0001639.

Allele frequency attached by ClinVar (database versions not stated): gnomAD 0.00001; TOPMed 0.00001.
gnomAD v4.1: 1 of 1,562,412 alleles (0.000064%); highest among the groups gnomAD compares: African/African-American, 0.0014%; no homozygotes.

Submission:

Labcorp Genetics (formerly Invitae), Labcorp
Classification: Uncertain significance for Hypertrophic cardiomyopathy. Last evaluated: 2024-04-22. Review status: criteria provided, single submitter. Criteria: Invitae Variant Classification Sherloc (09022015). Collection method: clinical testing. Allele origin: germline.
Comment: This sequence change falls in intron 4 of the MYOM1 gene. It does not directly change the encoded amino acid sequence of the MYOM1 protein. It affects a nucleotide within the consensus splice site. This variant is not present in population databases (gnomAD no frequency). This variant has not been reported in the literature in individuals affected with MYOM1-related conditions. ClinVar contains an entry for this variant (Variation ID: 1520559). Variants that disrupt the consensus splice site are a relatively common cause of aberrant splicing (PMID: 17576681, 9536098). Algorithms developed to predict the effect of sequence changes on RNA splicing suggest that this variant may disrupt the consensus splice site. In summary, the available evidence is currently insufficient to determine the role of this variant in disease. Therefore, it has been classified as a Variant of Uncertain Significance.

Literature cited by the submitters: PubMed 17576681; PubMed 9536098.